The following is an entry in ClinVar:

ClinVar aggregate classification (germline): Likely benign (0 of 4 stars; one submission).

Conditions:
G6PD-related disorder. Also called: G6PD-related condition.

Allele frequency attached by ClinVar (database versions not stated): TOPMed 0.00002; gnomAD 0.00005; ExAC 0.00007; 1000 Genomes Project 30x 0.00021; 1000 Genomes Project 0.00026.
gnomAD v4.1: 49 of 1,199,649 alleles (0.0041%); highest among the groups gnomAD compares: South Asian, 0.046%; no homozygotes.

Submission:

PreventionGenetics, part of Exact Sciences
Classification: Likely benign for G6PD-related condition. Last evaluated: 2021-05-27. Review status: no assertion criteria provided. Collection method: clinical testing. Allele origin: germline.
Comment: This variant is classified as likely benign based on ACMG/AMP sequence variant interpretation guidelines (Richards et al. 2015 PMID: 25741868, with internal and published modifications).

NM_001360016.2(G6PD):c.864+40G>A

Gene: G6PD (glucose-6-phosphate dehydrogenase; minus strand). Cytogenetic location: Xq28.
Variant type: single nucleotide variant.
Coding change: c.864+40G>A on transcript NM_001360016.2 (MANE Select); 40 bases into the intron after coding-DNA position 864, G replaced by A.
Molecular consequence: intron variant.
Genome position (GRCh38, 1-based): chrX:154,533,536, C>T on the plus strand (G>A on the coding strand, the complement: G6PD is on the minus strand). VCF-style: chrX-154533536-C-T. GRCh37 (hg19) VCF-style: chrX-153761751-C-T.
Other names: c.954+40G>A (NM_000402.4); c.864+40G>A (NM_001042351.3).
Identifiers: ClinVar variation 3032490 (VCV003032490.2), dbSNP rs201958777, ClinGen allele CA10566126.